The following is an entry in ClinVar:

NC_000016.9:g.(?_2089925)_(2114438_?)del

Genes: NTHL1 (nth like DNA glycosylase 1; minus strand), TSC2 (TSC complex subunit 2; plus strand). Cytogenetic location: 16p13.3.
Variant type: Deletion.
Identifiers: ClinVar variation 1073183 (VCV001073183.1).

ClinVar aggregate classification (germline): Pathogenic (1 of 4 stars; one submission).

Conditions:
Tuberous sclerosis 2 (TSC2). Identifiers: Orphanet 805, MedGen C1860707, MONDO:0013199, OMIM 613254.

Submission:

Labcorp Genetics (formerly Invitae), Labcorp
Classification: Pathogenic for Tuberous sclerosis 2. Last evaluated: 2020-02-13. Review status: criteria provided, single submitter. Criteria: Invitae Variant Classification Sherloc (09022015). Collection method: clinical testing. Allele origin: germline.
Comment: This variant is a gross deletion of the genomic region encompassing exons 1-15 of the TSC2 gene, which includes the initiator codon. The 5' end of this event is unknown as it extends beyond the assayed region for this gene and therefore may encompass additional genes. The 3' boundary is likely confined to intron 15 of the TSC2 gene. This is expected to result in an absent or disrupted protein product. Similar deletions has been observed in individuals affected with tuberous sclerosis (PMID:20498439, 17287951). Loss-of-function variants in TSC2 are known to be pathogenic (PMID: 10205261, 17304050). For these reasons, this variant has been classified as Pathogenic.

Literature cited by the submitters: PubMed 20498439; PubMed 17287951; PubMed 10205261; PubMed 17304050.